The following is an entry in ClinVar:

NM_001330288.2(SMARCC2):c.2644C>T (p.Arg882Trp)

Gene: SMARCC2 (SWI/SNF related BAF chromatin remodeling complex subunit C2; minus strand). Cytogenetic location: 12q13.2.
Variant type: single nucleotide variant.
Coding change: c.2644C>T on transcript NM_001330288.2 (MANE Select); coding-DNA position 2644, C replaced by T.
Protein change: p.Arg882Trp; replaces arginine 882 with tryptophan.
Molecular consequence: missense variant.
Genome position (GRCh38, 1-based): chr12:56,169,600, G>A on the plus strand (C>T on the coding strand, the complement: SMARCC2 is on the minus strand). VCF-style: chr12-56169600-G-A. GRCh37 (hg19) VCF-style: chr12-56563384-G-A.
Other names: c.2551C>T (NM_003075.4); c.2644C>T, p.Arg882Trp (NM_001130420.3, NM_139067.4); c.2551C>T, p.Arg851Trp (NM_003075.5); short protein forms R882W, R851W.
Identifiers: ClinVar variation 4170283 (VCV004170283.2).
Genomic context (GRCh38, chr12:56,169,600, plus strand): 5'-CTGCGGCGGCGGCCAGGGCGGCGGCAGCAGCGGTGGAGAGGTTGCCCTCGCCAATGTCCC[G>A]CTCCACCTTTGTCTTCCTTTCCCCCTCAGACTCCACCACTTCCTTCAGCACTTCCTCCTG-3'
Protein context (NP_001317217.1, residues 872-892): SEGERKTKVE[Arg882Trp]DIGEGNLSTA

ClinVar aggregate classification (germline): Uncertain significance. Review status: criteria provided, multiple submitters, no conflicts (2 of 4 stars). 2 submissions from 2 submitters: Uncertain significance (2). Last evaluated 2025-07-01.

Conditions:
Inborn genetic diseases. Identifiers: MedGen C0950123, MeSH D030342.
SMARCC2-related disorder. Also called: SMARCC2-related condition.

gnomAD v4.1: 2 of 1,614,006 alleles (0.00012%); highest among the groups gnomAD compares: Non-Finnish European, 0.00017%; no homozygotes.

Submissions (2):

Ambry Genetics
Classification: Uncertain significance for Inborn genetic diseases. Last evaluated: 2025-07-01. Review status: criteria provided, single submitter. Criteria: Ambry Variant Classification Scheme 2023. Collection method: clinical testing. Allele origin: germline.

PreventionGenetics, part of Exact Sciences
Classification: Uncertain significance for SMARCC2-related condition. Last evaluated: 2025-07-01. Review status: criteria provided, single submitter. Criteria: ACMG Guidelines, 2015. Collection method: clinical testing. Allele origin: germline.
Comment: The SMARCC2 c.2551C>T variant is predicted to result in the amino acid substitution p.Arg851Trp. To our knowledge, this variant has not been reported in the literature. This variant is reported in 0.00090% of alleles in individuals of European (Non-Finnish) descent in gnomAD. At this time, the clinical significance of this variant is uncertain due to the absence of conclusive functional and genetic evidence.